The following is an entry in ClinVar:

ClinVar aggregate classification (germline): Uncertain significance (1 of 4 stars; one submission).

Conditions:
Inborn genetic diseases. Identifiers: MedGen C0950123, MeSH D030342.

gnomAD v4.1: 1 of 1,534,044 alleles (0.000065%); highest among the groups gnomAD compares: Non-Finnish European, 0.000087%; no homozygotes.

Submission:

Ambry Genetics
Classification: Uncertain significance for Inborn genetic diseases. Last evaluated: 2025-05-21. Review status: criteria provided, single submitter. Criteria: Ambry Variant Classification Scheme 2023. Collection method: clinical testing. Allele origin: germline.
Comment: The p.P22T variant (also known as c.64C>A), located in coding exon 1 of the WT1 gene, results from a C to A substitution at nucleotide position 64. The proline at codon 22 is replaced by threonine, an amino acid with highly similar properties. This amino acid position is conserved. In addition, this alteration is predicted to be tolerated by in silico analysis. Based on the available evidence, the clinical significance of this variant remains unclear.

NM_024426.6(WT1):c.79C>A (p.Pro27Thr)

Genes: WT1 (WT1 transcription factor; minus strand), LOC107982234 (WT1/WT1-AS bi-directional promoter region; plus strand). Cytogenetic location: 11p13.
Variant type: single nucleotide variant.
Coding change: c.79C>A on transcript NM_024426.6 (MANE Select); coding-DNA position 79, C replaced by A.
Protein change: p.Pro27Thr; replaces proline 27 with threonine.
Molecular consequence: missense variant. On other transcripts: 5 prime UTR variant (4), non-coding transcript variant (2).
Genome position (GRCh38, 1-based): chr11:32,435,282, G>T on the plus strand (C>A on the coding strand, the complement: WT1 is on the minus strand). VCF-style: chr11-32435282-G-T. GRCh37 (hg19) VCF-style: chr11-32456828-G-T.
Other names: c.79C>A, p.Pro27Thr (NM_000378.6, NM_001407044.1, NM_001407045.1 and 6 more transcripts); c.-141C>A (NM_001429031.1, NM_001429032.1, NM_001429033.1 and 1 more transcripts); short protein forms P27T, P22T.
Identifiers: ClinVar variation 3982473 (VCV003982473.1).